The following is an entry in ClinVar:

NM_198123.2(CSMD3):c.2779G>A (p.Ala927Thr)

Gene: CSMD3 (CUB and Sushi multiple domains 3; minus strand). Cytogenetic location: 8q23.3.
Variant type: single nucleotide variant.
Coding change: c.2779G>A on transcript NM_198123.2 (MANE Select); coding-DNA position 2779, G replaced by A.
Protein change: p.Ala927Thr; replaces alanine 927 with threonine.
Molecular consequence: missense variant.
Genome position (GRCh38, 1-based): chr8:112,666,314, C>T on the plus strand (G>A on the coding strand, the complement: CSMD3 is on the minus strand). VCF-style: chr8-112666314-C-T. GRCh37 (hg19) VCF-style: chr8-113678543-C-T.
Other names: c.2389G>A, p.Ala797Thr (NM_001363185.1); c.2467G>A, p.Ala823Thr (NM_052900.3); c.2659G>A, p.Ala887Thr (NM_198124.2); short protein forms A797T, A823T, A887T, A927T.
Identifiers: ClinVar variation 3897743 (VCV003897743.1).

ClinVar aggregate classification (oncogenicity): Uncertain significance (1 of 4 stars; one submission).

Conditions:
Meningioma. Also called: Meningioma, somatic. Identifiers: Orphanet 2495, MedGen C0025286, MONDO:0016642, HP:0002858.

gnomAD v4.1: 1 of 1,612,358 alleles (0.000062%); highest among the groups gnomAD compares: Non-Finnish European, 0.000085%; no homozygotes.

Submission:

Dr. Guy Rouleau's laboratory, McGill University
Classification: Uncertain significance for Meningioma. Last evaluated: 2025-03-30. Review status: criteria provided, single submitter. Criteria: ClinGen/CGC/VICC Guidelines for Oncogenicity, 2022. Collection method: research. Allele origin: somatic. Affected: yes.
Comment: This missense variant, located at position 927 in the CSMD3 gene, results in the substitution of Alanine (A), a neutral and non-polar amino acid, with Threonine (T), a neutral and polar amino acid. This somatic variant was identified in a paired tumor-blood sequencing study of meningiomas. It has not been reported in population databases (gnomAD v2.1.1: no frequency). Due to insufficient evidence, the clinical significance of this variant remains unknown.